The following is an entry in ClinVar:

NM_015030.2(FRYL):c.785A>C (p.Lys262Thr)

Gene: FRYL (FRY like transcription coactivator; minus strand). Cytogenetic location: 4p11.
Variant type: single nucleotide variant.
Coding change: c.785A>C on transcript NM_015030.2 (MANE Select); coding-DNA position 785, A replaced by C.
Protein change: p.Lys262Thr; replaces lysine 262 with threonine.
Molecular consequence: missense variant.
Genome position (GRCh38, 1-based): chr4:48,605,790, T>G on the plus strand (A>C on the coding strand, the complement: FRYL is on the minus strand). VCF-style: chr4-48605790-T-G. GRCh37 (hg19) VCF-style: chr4-48607807-T-G.
Other names: short protein forms K262T.
Identifiers: ClinVar variation 3363246 (VCV003363246.1).

ClinVar aggregate classification (germline): Uncertain significance (1 of 4 stars; one submission).

Submission:

GeneDx
Classification: Uncertain significance. Last evaluated: 2023-10-24. Review status: criteria provided, single submitter. Criteria: GeneDx Variant Classification Process June 2021. Collection method: clinical testing. Allele origin: germline. Affected: yes.
Comment: Not observed at significant frequency in large population cohorts (gnomAD); In silico analysis supports that this missense variant has a deleterious effect on protein structure/function; Has not been previously published as pathogenic or benign to our knowledge; Variants in candidate genes are classified as variants of uncertain significance in accordance with ACMG guidelines (PMID: 25741868)